The following is an entry in ClinVar:

ClinVar aggregate classification (germline): Likely benign. Review status: criteria provided, multiple submitters, no conflicts (2 of 4 stars). 4 submissions from 4 submitters: Likely benign (3). 1 of the submissions does not count toward it. Last evaluated 2026-01-28.

Conditions:
CTC1-related disorder. Also called: CTC1-related condition.
Dyskeratosis congenita. Identifiers: Orphanet 1775, MedGen C0265965, MONDO:0015780.

Allele frequency attached by ClinVar (database versions not stated): TOPMed below 0.00001; gnomAD 0.00001 and 0.00003; gnomAD exomes 0.00003 and 0.00008; ExAC 0.00007.
gnomAD v4.1: 47 of 1,609,932 alleles (0.0029%); highest among the groups gnomAD compares: South Asian, 0.047%; no homozygotes.

Submissions (4):

Labcorp Genetics (formerly Invitae), Labcorp
Classification: Likely benign for Dyskeratosis congenita. Last evaluated: 2026-01-28. Review status: criteria provided, single submitter. Criteria: Invitae Variant Classification Sherloc (09022015). Collection method: clinical testing. Allele origin: germline.

CeGaT Center for Human Genetics Tuebingen
Classification: Likely benign. Last evaluated: 2024-05-01. Review status: criteria provided, single submitter. Criteria: CeGaT Center For Human Genetics Tuebingen Variant Classification Criteria Version 2. Collection method: clinical testing. Allele origin: germline. Affected: yes. Observed: 1 variant allele.
Comment: CTC1: BP4, BP7

Blueprint Genetics
Classification: Likely benign. Last evaluated: 2023-01-19. Review status: criteria provided, single submitter. Criteria: ACMG Guidelines, 2015. Collection method: clinical testing. Allele origin: germline.

PreventionGenetics, part of Exact Sciences
Classification: Likely benign for CTC1-related condition. Last evaluated: 2020-05-18. Review status: no assertion criteria provided. Collection method: clinical testing. Allele origin: germline. Not counted in ClinVar's aggregate classification.
Comment: This variant is classified as likely benign based on ACMG/AMP sequence variant interpretation guidelines (Richards et al. 2015 PMID: 25741868, with internal and published modifications).

NM_025099.6(CTC1):c.1620C>T (p.Tyr540=)

Gene: CTC1 (CST telomere replication complex component 1; minus strand). Cytogenetic location: 17p13.1.
Variant type: single nucleotide variant.
Coding change: c.1620C>T on transcript NM_025099.6 (MANE Select); coding-DNA position 1620, C replaced by T.
Protein change: p.Tyr540=; no amino-acid change (tyrosine 540 retained).
Molecular consequence: synonymous variant. On other transcripts: non-coding transcript variant (1).
Genome position (GRCh38, 1-based): chr17:8,234,653, G>A on the plus strand (C>T on the coding strand, the complement: CTC1 is on the minus strand). VCF-style: chr17-8234653-G-A. GRCh37 (hg19) VCF-style: chr17-8137971-G-A.
Other names: c.1620C>T (NM_025099.5).
Identifiers: ClinVar variation 1080213 (VCV001080213.30), dbSNP rs765073204, ClinGen allele CA8372287.